The following is an entry in ClinVar:

ClinVar aggregate classification (germline): Likely pathogenic (1 of 4 stars; one submission).

Submission:

Labcorp Genetics (formerly Invitae), Labcorp
Classification: Likely pathogenic. Last evaluated: 2023-03-19. Review status: criteria provided, single submitter. Criteria: Invitae Variant Classification Sherloc (09022015). Collection method: clinical testing. Allele origin: unknown.
Comment: In summary, the currently available evidence indicates that the variant is pathogenic, but additional data are needed to prove that conclusively. Therefore, this variant has been classified as Likely Pathogenic. This variant has not been reported in the literature in individuals affected with SMARCB1-related conditions. This variant results in a copy number gain of the genomic region encompassing exon(s) 4-6 of the SMARCB1 gene. While the exact position of this variant cannot be determined from the data, sub-genic copy number gains are generally in tandem (PMID: 25640679). This variant is predicted to be out-of-frame, and may result in an absent or disrupted protein product. Loss-of-function variants in SMARCB1 are known to be pathogenic (PMID: 10521299, 21208904).

Literature cited by the submitters: PubMed 25640679; PubMed 10521299; PubMed 21208904.

NC_000022.10:g.(?_24143121)_(24159133_?)dup

Gene: SMARCB1 (SWI/SNF related BAF chromatin remodeling complex subunit B1; plus strand). Cytogenetic location: 22q11.23.
Variant type: Duplication.
Identifiers: ClinVar variation 3248105 (VCV003248105.1).